The following is an entry in ClinVar:

NM_004667.6(HERC2):c.4095C>T (p.Ser1365=)

Gene: HERC2 (HECT and RLD domain containing E3 ubiquitin protein ligase 2; minus strand). Cytogenetic location: 15q13.1.
Variant type: single nucleotide variant.
Coding change: c.4095C>T on transcript NM_004667.6 (MANE Select); coding-DNA position 4095, C replaced by T.
Protein change: p.Ser1365=; no amino-acid change (serine 1365 retained).
Molecular consequence: synonymous variant.
Genome position (GRCh38, 1-based): chr15:28,234,193, G>A on the plus strand (C>T on the coding strand, the complement: HERC2 is on the minus strand). VCF-style: chr15-28234193-G-A. GRCh37 (hg19) VCF-style: chr15-28479339-G-A.
Identifiers: ClinVar variation 1711378 (VCV001711378.30), dbSNP rs1267753685, ClinGen allele CA488962478.

ClinVar aggregate classification (germline): Likely benign (1 of 4 stars; one submission).

Allele frequency attached by ClinVar (database versions not stated): TOPMed 0.00006.

Submission:

CeGaT Center for Human Genetics Tuebingen
Classification: Likely benign. Last evaluated: 2022-09-01. Review status: criteria provided, single submitter. Criteria: CeGaT Center For Human Genetics Tuebingen Variant Classification Criteria Version 2. Collection method: clinical testing. Allele origin: germline. Affected: yes. Observed: 1 variant allele.
Comment: HERC2: BP4, BP7